The following is an entry in ClinVar:

ClinVar aggregate classification (germline): Uncertain significance (1 of 4 stars; one submission).

Conditions:
Hereditary cancer-predisposing syndrome. Also called: Neoplastic Syndromes, Hereditary; Hereditary Cancer Syndrome; Tumor predisposition; Hereditary neoplastic syndrome. Identifiers: Orphanet 140162, MedGen C0027672, MeSH D009386, MONDO:0015356.

Submission:

Ambry Genetics
Classification: Uncertain significance for Hereditary cancer-predisposing syndrome. Last evaluated: 2026-04-06. Review status: criteria provided, single submitter. Criteria: Ambry Variant Classification Scheme 2023. Collection method: clinical testing. Allele origin: germline.
Comment: The p.E1549V variant (also known as c.4646A>T), located in coding exon 13 of the BRCA1 gene, results from an A to T substitution at nucleotide position 4646. The glutamic acid at codon 1549 is replaced by valine, an amino acid with dissimilar properties. This nucleotide position is not well conserved in available vertebrate species. This amino acid position is not well conserved in available vertebrate species. In silico splice site analysis predicts that this alteration will result in the creation or strengthening of a novel splice donor site; however, direct evidence is insufficient at this time (Ambry internal data). In addition, as a missense, the in silico prediction for this alteration is inconclusive. Based on the available evidence, the clinical significance of this variant remains unclear.

NM_007294.4(BRCA1):c.4646A>T (p.Glu1549Val)

Gene: BRCA1 (BRCA1 DNA repair associated; minus strand). Cytogenetic location: 17q21.31.
Variant type: single nucleotide variant.
Coding change: c.4646A>T on transcript NM_007294.4 (MANE Select); coding-DNA position 4646, A replaced by T.
Protein change: p.Glu1549Val; replaces glutamic acid 1549 with valine.
Molecular consequence: missense variant. On other transcripts: non-coding transcript variant (1).
Genome position (GRCh38, 1-based): chr17:43,074,360, T>A on the plus strand (A>T on the coding strand, the complement: BRCA1 is on the minus strand). VCF-style: chr17-43074360-T-A. GRCh37 (hg19) VCF-style: chr17-41226377-T-A.
Other names: c.4643A>T, p.Glu1548Val (NM_001407614.1, NM_001407615.1, NM_001407616.1 and 17 more transcripts); c.4640A>T, p.Glu1547Val (NM_001407633.1, NM_001407634.1, NM_001407635.1 and 14 more transcripts); c.4568A>T, p.Glu1523Val (NM_001407655.1, NM_001407653.1, NM_001407654.1); c.4565A>T, p.Glu1522Val (NM_001407656.1, NM_001407657.1, NM_001407658.1); c.4562A>T, p.Glu1521Val (NM_001407659.1, NM_001407660.1, NM_001407661.1 and 2 more transcripts); c.4523A>T, p.Glu1508Val (NM_001407664.1, NM_001407919.1, NM_001407665.1 and 6 more transcripts); c.4433A>T, p.Glu1478Val (NM_001407907.1, NM_001407908.1, NM_001407909.1 and 12 more transcripts); c.4430A>T, p.Glu1477Val (NM_001407915.1, NM_001407916.1, NM_001407917.1 and 1 more transcripts); and 68 more; short protein forms E1549V, E1570V, E445V, E1502V, E1253V, E1436V, E1460V, E1461V.
Identifiers: ClinVar variation 231176 (VCV000231176.7), dbSNP rs876659001, ClinGen allele CA10580514.